The following is an entry in ClinVar:

NM_003873.7(NRP1):c.227A>G (p.Asp76Gly)

Gene: NRP1 (neuropilin 1; minus strand). Cytogenetic location: 10p11.22.
Variant type: single nucleotide variant.
Coding change: c.227A>G on transcript NM_003873.7 (MANE Select); coding-DNA position 227, A replaced by G.
Protein change: p.Asp76Gly; replaces aspartic acid 76 with glycine.
Molecular consequence: missense variant. On other transcripts: non-coding transcript variant (1).
Genome position (GRCh38, 1-based): chr10:33,330,729, T>C on the plus strand (A>G on the coding strand, the complement: NRP1 is on the minus strand). VCF-style: chr10-33330729-T-C. GRCh37 (hg19) VCF-style: chr10-33619657-T-C.
Other names: c.227A>G, p.Asp76Gly (NM_001024628.3, NM_001024629.3, NM_001244972.2 and 2 more transcripts); short protein forms D76G.
Identifiers: ClinVar variation 3034886 (VCV003034886.3), dbSNP rs1285825996, ClinGen allele CA376510071.

ClinVar aggregate classification (germline): Uncertain significance. Review status: criteria provided, single submitter (1 of 4 stars). 2 submissions from 2 submitters: Uncertain significance (1). 1 of the submissions does not count toward it. Last evaluated 2025-07-14.

Conditions:
NRP1-related disorder. Also called: NRP1-related condition.

Allele frequency attached by ClinVar (database versions not stated): gnomAD 0.00001; gnomAD exomes 0.00002; TOPMed 0.00002.
gnomAD v4.1: 26 of 1,612,774 alleles (0.0016%); highest among the groups gnomAD compares: Non-Finnish European, 0.0021%; no homozygotes.

Submissions (2):

Ambry Genetics
Classification: Uncertain significance. Last evaluated: 2025-07-14. Review status: criteria provided, single submitter. Criteria: Ambry Variant Classification Scheme 2023. Collection method: clinical testing. Allele origin: germline.

PreventionGenetics, part of Exact Sciences
Classification: Uncertain significance for NRP1-related condition. Last evaluated: 2024-09-24. Review status: no assertion criteria provided. Collection method: clinical testing. Allele origin: germline. Not counted in ClinVar's aggregate classification.
Comment: The NRP1 c.227A>G variant is predicted to result in the amino acid substitution p.Asp76Gly. To our knowledge, this variant has not been reported in the literature. This variant is reported in 0.00078% of alleles in individuals of European (Non-Finnish) descent in gnomAD. At this time, the clinical significance of this variant is uncertain due to the absence of conclusive functional and genetic evidence.